The following is an entry in ClinVar:

ClinVar aggregate classification (germline): Uncertain significance (1 of 4 stars; one submission).

Submission:

Labcorp Genetics (formerly Invitae), Labcorp
Classification: Uncertain significance. Last evaluated: 2024-05-15. Review status: criteria provided, single submitter. Criteria: Invitae Variant Classification Sherloc (09022015). Collection method: clinical testing. Allele origin: germline.
Comment: This sequence change replaces aspartic acid, which is acidic and polar, with glutamic acid, which is acidic and polar, at codon 218 of the PPP2R1A protein (p.Asp218Glu). This variant is not present in population databases (gnomAD no frequency). This variant has not been reported in the literature in individuals affected with PPP2R1A-related conditions. ClinVar contains an entry for this variant (Variation ID: 2089890). An algorithm developed to predict the effect of missense changes on protein structure and function (PolyPhen-2) suggests that this variant is likely to be disruptive. In summary, the available evidence is currently insufficient to determine the role of this variant in disease. Therefore, it has been classified as a Variant of Uncertain Significance.

NM_014225.6(PPP2R1A):c.654C>G (p.Asp218Glu)

Gene: PPP2R1A (protein phosphatase 2 scaffold subunit Aalpha; plus strand). Cytogenetic location: 19q13.41.
Variant type: single nucleotide variant.
Coding change: c.654C>G on transcript NM_014225.6 (MANE Select); coding-DNA position 654, C replaced by G.
Protein change: p.Asp218Glu; replaces aspartic acid 218 with glutamic acid.
Molecular consequence: missense variant. On other transcripts: non-coding transcript variant (1).
Genome position (GRCh38, 1-based): chr19:52,212,957, C>G. VCF-style: chr19-52212957-C-G. GRCh37 (hg19) VCF-style: chr19-52716210-C-G.
Other names: c.117C>G, p.Asp39Glu (NM_001363656.2); short protein forms D218E, D39E.
Identifiers: ClinVar variation 2089890 (VCV002089890.4), dbSNP rs1371810473, ClinGen allele CA407184262.